The following is an entry in ClinVar:

ClinVar aggregate classification (germline): Uncertain significance (1 of 4 stars; one submission).

gnomAD v4.1: 2 of 1,614,150 alleles (0.00012%); highest among the groups gnomAD compares: Non-Finnish European, 0.00017%; no homozygotes.

Submission:

GeneDx
Classification: Uncertain significance. Last evaluated: 2019-09-10. Review status: criteria provided, single submitter. Criteria: GeneDx Variant Classification Process June 2021. Collection method: clinical testing. Allele origin: germline. Affected: yes.
Comment: Not observed at a significant frequency in large population cohorts (Lek et al., 2016); The majority of missense variants in this gene are considered pathogenic (Stenson et al., 2014); In silico analysis, which includes protein predictors and evolutionary conservation, supports a deleterious effect; Has not been previously published as pathogenic or benign to our knowledge; This substitution is predicted to be in the cytoplasmic loop between the first and second homologous domains

NM_001165963.4(SCN1A):c.1707T>G (p.Asn569Lys)

Gene: SCN1A (sodium voltage-gated channel alpha subunit 1; minus strand). Cytogenetic location: 2q24.3.
Variant type: single nucleotide variant.
Coding change: c.1707T>G on transcript NM_001165963.4 (MANE Select); coding-DNA position 1707, T replaced by G.
Protein change: p.Asn569Lys; replaces asparagine 569 with lysine.
Molecular consequence: missense variant. On other transcripts: 5 prime UTR variant (1), non-coding transcript variant (1).
Genome position (GRCh38, 1-based): chr2:166,044,005, A>C on the plus strand (T>G on the coding strand, the complement: SCN1A is on the minus strand). VCF-style: chr2-166044005-A-C. GRCh37 (hg19) VCF-style: chr2-166900515-A-C.
Other names: c.1707T>G, p.Asn569Lys (NM_001165964.3, NM_001202435.3, NM_001353948.2 and 7 more transcripts); c.1704T>G, p.Asn568Lys (NM_001353954.2, NM_001353955.2, NM_001353960.2); c.-719T>G (NM_001353961.2); short protein forms N568K, N569K.
Identifiers: ClinVar variation 1310104 (VCV001310104.2), dbSNP rs778432457, ClinGen allele CA1943259.